The following is an entry in ClinVar:

NM_014141.6(CNTNAP2):c.1680del (p.Asn561fs)

Gene: CNTNAP2 (contactin associated protein 2; plus strand). Cytogenetic location: 7q35.
Variant type: Deletion.
Coding change: c.1680del on transcript NM_014141.6 (MANE Select); coding-DNA position 1680, one base deleted (C; older notation c.1680delC).
Protein change: p.Asn561fs; shifts the reading frame from asparagine 561.
Molecular consequence: frameshift variant.
Genome position (GRCh38, 1-based): chr7:147,485,944, C deleted; the last of 3 consecutive C bases (chr7:147,485,942-147,485,944); deleting any one gives the same sequence. VCF-style (leftmost placement, unchanged base first): chr7-147485941-GC-G. GRCh37 (hg19) VCF-style: chr7-147183033-GC-G.
Other names: short protein forms N561fs.
Identifiers: ClinVar variation 2429113 (VCV002429113.4), dbSNP rs2535854030, ClinGen allele CA2580077650.

ClinVar aggregate classification (germline): Pathogenic (1 of 4 stars; one submission).

Conditions:
Cortical dysplasia-focal epilepsy syndrome (PTHSL1). Also called: Pitt-Hopkins-like syndrome 1. Identifiers: Orphanet 163681, Orphanet 221150, MedGen C2750246, MONDO:0012400, OMIM 610042.

Submission:

St. Anna Children's Cancer Research Institute (CCRI)
Classification: Pathogenic for Cortical dysplasia-focal epilepsy syndrome. Last evaluated: 2023-02-08. Review status: criteria provided, single submitter. Criteria: ACMG Guidelines, 2015. Collection method: research. Allele origin: biparental. Inheritance: Autosomal recessive inheritance. Affected: yes.
Comment: AGMC classification of pathogenicity: PVS1, PM2, PM3 + supporting